The following is an entry in ClinVar:

NM_002470.4(MYH3):c.1160A>G (p.Tyr387Cys)

Gene: MYH3 (myosin heavy chain 3; minus strand). Cytogenetic location: 17p13.1.
Variant type: single nucleotide variant.
Coding change: c.1160A>G on transcript NM_002470.4 (MANE Select); coding-DNA position 1160, A replaced by G.
Protein change: p.Tyr387Cys; replaces tyrosine 387 with cysteine.
Molecular consequence: missense variant.
Genome position (GRCh38, 1-based): chr17:10,644,684, T>C on the plus strand (A>G on the coding strand, the complement: MYH3 is on the minus strand). VCF-style: chr17-10644684-T-C. GRCh37 (hg19) VCF-style: chr17-10548001-T-C.
Other names: c.1160A>G (NM_002470.3); short protein forms Y387C.
Identifiers: ClinVar variation 631471 (VCV000631471.2), dbSNP rs1567559027, ClinGen allele CA398175827.

ClinVar aggregate classification (germline): Likely pathogenic. Review status: criteria provided, single submitter (1 of 4 stars). 2 submissions from 2 submitters: Likely pathogenic (1). 1 of the submissions does not count toward it. Last evaluated 2024-12-18.

Conditions:
Arthrogryposis, distal, type 2B3. Also called: Arthrogryposis, distal, type 2B3 (Sheldon-Hall). Identifiers: MedGen C5193098, MONDO:0032751, OMIM 618436.

Allele frequency attached by ClinVar (database versions not stated): gnomAD exomes below 0.00001.
gnomAD v4.1: 1 of 1,613,752 alleles (0.000062%); highest among the groups gnomAD compares: Non-Finnish European, 0.000085%; no homozygotes.

Submissions (2):

GeneDx
Classification: Likely pathogenic. Last evaluated: 2024-12-18. Review status: criteria provided, single submitter. Criteria: GeneDx Variant Classification Process June 2021. Collection method: clinical testing. Allele origin: germline. Affected: yes.
Comment: Not observed at significant frequency in large population cohorts (gnomAD); In silico analysis supports that this missense variant has a deleterious effect on protein structure/function; This variant is associated with the following publications: (PMID: 35383688, 29687901, 25256237, 29625835)

OMIM
Classification: Pathogenic for ARTHROGRYPOSIS, DISTAL, TYPE 2B3. Last evaluated: 2019-05-16. Review status: no assertion criteria provided. Collection method: literature only. Allele origin: germline. Not counted in ClinVar's aggregate classification.

Literature cited by the submitters: PubMed 29625835 (cited by OMIM).